The following is an entry in ClinVar:

NM_000060.4:c.1001T>A

Variant type: single nucleotide variant.
Other names: c.1001T>A (NM_000060.4).
Identifiers: ClinVar variation 4815921 (VCV004815921.1).

ClinVar aggregate classification (germline): Likely pathogenic (1 of 4 stars; one submission).

Conditions:
Biotinidase deficiency. Also called: BTD deficiency; Late-onset biotin-responsive multiple carboxylase deficiency; Biotin deficiency. Identifiers: Orphanet 79241, MedGen C0220754, MONDO:0009665, OMIM 253260.

Submission:

Natera, Inc.
Classification: Likely pathogenic for Biotinidase deficiency. Last evaluated: 2025-04-29. Review status: criteria provided, single submitter. Criteria: Natera Variant Classification Schema (03/2026). Collection method: clinical testing. Allele origin: germline.
Comment: The c.1001T>A variant in BTD is a missense variant predicted to cause substitution of isoleucine to asparagine at amino acid 334. This variant is rare in the general population with a frequency below the threshold expected for the associated phenotype(s). This variant has been observed in one or more individuals affected with the associated recessive disease, as either homozygous or compound heterozygous with a second variant (PMID: 26810761). This variant has been identified in one or more affected individuals with a phenotype highly consistent with the associated gene (PMID: 26810761). Computational prediction algorithms indicate this variant is likely to affect gene or protein function. Given the available evidence, this variant is classified as Likely Pathogenic.

Literature cited by the submitters: PubMed 26810761.